The following is an entry in ClinVar:

ClinVar aggregate classification (germline): Uncertain significance. Review status: criteria provided, multiple submitters, no conflicts (2 of 4 stars). 2 submissions from 2 submitters: Uncertain significance (2). Last evaluated 2025-08-15.

Conditions:
Cornelia de Lange syndrome 4 (CDLS4). Also called: RAD21-Related Cornelia de Lange Syndrome; CORNELIA DE LANGE SYNDROME 4 WITH OR WITHOUT MIDLINE BRAIN DEFECTS. Identifiers: Orphanet 199, MedGen C3553517, MONDO:0013864, OMIM 614701.
Inborn genetic diseases. Identifiers: MedGen C0950123, MeSH D030342.

Submissions (2):

Labcorp Genetics (formerly Invitae), Labcorp
Classification: Uncertain significance for Cornelia de Lange syndrome 4. Last evaluated: 2025-08-15. Review status: criteria provided, single submitter. Criteria: Invitae Variant Classification Sherloc (09022015). Collection method: clinical testing. Allele origin: germline.
Comment: This sequence change replaces aspartic acid, which is acidic and polar, with asparagine, which is neutral and polar, at codon 263 of the RAD21 protein (p.Asp263Asn). This variant is present in population databases (rs746064262, gnomAD 0.009%). This variant has not been reported in the literature in individuals affected with RAD21-related conditions. Invitae Evidence Modeling of protein sequence and biophysical properties (such as structural, functional, and spatial information, amino acid conservation, physicochemical variation, residue mobility, and thermodynamic stability) indicates that this missense variant is not expected to disrupt RAD21 protein function with a negative predictive value of 95%. In summary, the available evidence is currently insufficient to determine the role of this variant in disease. Therefore, it has been classified as a Variant of Uncertain Significance.

Ambry Genetics
Classification: Uncertain significance for Inborn genetic diseases. Last evaluated: 2025-06-24. Review status: criteria provided, single submitter. Criteria: Ambry Variant Classification Scheme 2023. Collection method: clinical testing. Allele origin: germline.

NM_006265.3(RAD21):c.787G>A (p.Asp263Asn)

Gene: RAD21 (RAD21 cohesin complex component; minus strand). Cytogenetic location: 8q24.11.
Variant type: single nucleotide variant.
Coding change: c.787G>A on transcript NM_006265.3 (MANE Select); coding-DNA position 787, G replaced by A.
Protein change: p.Asp263Asn; replaces aspartic acid 263 with asparagine.
Molecular consequence: missense variant.
Genome position (GRCh38, 1-based): chr8:116,856,673, C>T on the plus strand (G>A on the coding strand, the complement: RAD21 is on the minus strand). VCF-style: chr8-116856673-C-T. GRCh37 (hg19) VCF-style: chr8-117868912-C-T.
Other names: short protein forms D263N.
Identifiers: ClinVar variation 4149687 (VCV004149687.2).